The following is an entry in ClinVar:

NM_025265.4(TSEN2):c.-173C>T

Genes: TSEN2 (tRNA splicing endonuclease subunit 2; plus strand), LOC129936171 (ATAC-STARR-seq lymphoblastoid active region 19441; plus strand). Cytogenetic location: 3p25.2.
Variant type: single nucleotide variant.
Coding change: c.-173C>T on transcript NM_025265.4 (MANE Select); 173 bases upstream of the start codon, C replaced by T.
Molecular consequence: 5 prime UTR variant. On other transcripts: intron variant (5).
Genome position (GRCh38, 1-based): chr3:12,484,725, C>T. VCF-style: chr3-12484725-C-T. GRCh37 (hg19) VCF-style: chr3-12526224-C-T.
Other names: c.-173C>T (NM_001321279.2); c.-18+208C>T (NM_001321278.2, NM_001321277.2, NM_001145393.3 and 1 more transcripts); c.-18+97C>T (NM_001145392.2).
Identifiers: ClinVar variation 343063 (VCV000343063.5), dbSNP rs76012118, ClinGen allele CA10617182.
Genomic context (GRCh38, chr3:12,484,725, plus strand): 5'-GCCGGGACGGGGAGCCAGGCTTCCGAGTGCGCCCGGTCACTGACTCCTCCGCGCTTTCCT[C>T]GTGCGCCTGCAGCCCTTGGTTCTTGGAAACGCCGGCGCCTTGTTCAGGGCTGGTGGGGCT-3'

ClinVar aggregate classification (germline): Likely benign (1 of 4 stars; one submission).

Conditions:
Pontoneocerebellar hypoplasia. Also called: Pontocerebellar hypoplasia; Non-syndromic pontocerebellar hypoplasia. Identifiers: Orphanet 98523, MedGen C1261175, MONDO:0020135.

Allele frequency attached by ClinVar (database versions not stated): gnomAD 0.00239 and 0.00250; TOPMed 0.00266; 1000 Genomes Project 0.00280; 1000 Genomes Project 30x 0.00281.

Submission:

Illumina Laboratory Services, Illumina
Classification: Likely benign for Pontoneocerebellar hypoplasia. Last evaluated: 2018-01-13. Review status: criteria provided, single submitter. Criteria: ICSL Variant Classification Criteria 13 December 2019. Collection method: clinical testing. Allele origin: germline.
Comment: This variant was observed in the ICSL laboratory as part of a predisposition screen in an ostensibly healthy population. It had not been previously curated by ICSL or reported in the Human Gene Mutation Database (HGMD: prior to June 1st, 2018), and was therefore a candidate for classification through an automated scoring system. Utilizing variant allele frequency, disease prevalence and penetrance estimates, and inheritance mode, an automated score was calculated to assess if this variant is too frequent to cause the disease. Based on the score and internal cut-off values, a variant classified as likely benign is not then subjected to further curation. The score for this variant resulted in a classification of likely benign for this disease.